The following is an entry in ClinVar:

NM_001042492.3(NF1):c.2975T>G (p.Met992Arg)

Gene: NF1 (neurofibromin 1; plus strand). Cytogenetic location: 17q11.2.
Variant type: single nucleotide variant.
Coding change: c.2975T>G on transcript NM_001042492.3 (MANE Select); coding-DNA position 2975, T replaced by G.
Protein change: p.Met992Arg; replaces methionine 992 with arginine.
Molecular consequence: missense variant.
Genome position (GRCh38, 1-based): chr17:31,229,959, T>G. VCF-style: chr17-31229959-T-G. GRCh37 (hg19) VCF-style: chr17-29556977-T-G.
Other names: c.2975T>G, p.Met992Arg (NM_000267.4); short protein forms M992R.
Identifiers: ClinVar variation 1702649 (VCV001702649.5), dbSNP rs1567849596, ClinGen allele CA398986400.

ClinVar aggregate classification (germline): Likely pathogenic. Review status: criteria provided, multiple submitters, no conflicts (2 of 4 stars). 3 submissions from 3 submitters: Likely pathogenic (3). Last evaluated 2024-06-27.

Conditions:
Neurofibromatosis, type 1 (NF1). Also called: VON RECKLINGHAUSEN DISEASE; NEUROFIBROMATOSIS, TYPE I, SOMATIC; Peripheral type neurofibromatosis; Neurofibromatosis, type I. Identifiers: Orphanet 636, MedGen C0027831, MONDO:0018975, OMIM 162200. Disease mechanism: loss of function.
NF1-related disorder. Also called: NF1-related condition. Identifiers: MedGen CN379171.

Submissions (3):

Division of Genetic & Genomic Pathology, Hong Kong Children's Hospital
Classification: Likely pathogenic for Neurofibromatosis, type 1. Last evaluated: 2024-06-27. Review status: criteria provided, single submitter. Criteria: ACMG Guidelines, 2015. Collection method: clinical testing. Allele origin: germline. Affected: yes.
Comment: NF1 c.2975T>G is a missense variant in exon 22 that replaces methionine with arginine at codon 992. It is not present in population databases (gnomAD v2.1.1 and gnomAD v4.1.0). This exonic region of NF1 showed evidence of missense constraint, and in-silico pathogenicity prediction for this variant was moderately deleterious with a REVEL score of 0.80. This variant has been reported in multiple individuals with neurofibromatosis type I (PMID: 15833774, 25362541) and classified as likely pathogenic in ClinVar (VCV000971853.8). For these reasons, this variant is classified as likely pathogenic.

Blueprint Genetics
Classification: Likely pathogenic for NF1-related disorders. Last evaluated: 2023-10-05. Review status: criteria provided, single submitter. Criteria: ACMG Guidelines, 2015. Collection method: clinical testing. Allele origin: germline. Affected: yes. Observed: 1 variant allele.

GeneDx
Classification: Likely pathogenic. Last evaluated: 2023-04-24. Review status: criteria provided, single submitter. Criteria: GeneDx Variant Classification Process June 2021. Collection method: clinical testing. Allele origin: germline.
Comment: Not observed at significant frequency in large population cohorts (gnomAD); In silico analysis supports that this missense variant has a deleterious effect on protein structure/function; This variant is associated with the following publications: (PMID: 24803665, 25486365, 2121369, 15833774, 25362541)

Literature cited by the submitters: PubMed 15833774 (cited by Division of Genetic & Genomic Pathology, Hong Kong Children's Hospital); PubMed 25362541 (cited by Division of Genetic & Genomic Pathology, Hong Kong Children's Hospital).